The following is an entry in ClinVar:

NM_001365276.2(TNXB):c.7168+10C>T

Gene: TNXB (tenascin XB; minus strand). Cytogenetic location: 6p21.33.
Variant type: single nucleotide variant.
Coding change: c.7168+10C>T on transcript NM_001365276.2 (MANE Select); 10 bases into the intron after coding-DNA position 7168, C replaced by T.
Molecular consequence: intron variant.
Genome position (GRCh38, 1-based): chr6:32,062,147, G>A on the plus strand (C>T on the coding strand, the complement: TNXB is on the minus strand). VCF-style: chr6-32062147-G-A. GRCh37 (hg19) VCF-style: chr6-32029924-G-A.
Other names: p.?; c.7168+10C>T (NM_019105.8); c.7909+10C>T (NM_001428335.1).
Identifiers: ClinVar variation 4684959 (VCV004684959.2).

ClinVar aggregate classification (germline): Likely benign. Review status: criteria provided, multiple submitters, no conflicts (2 of 4 stars). 2 submissions from 2 submitters: Likely benign (2). Last evaluated 2026-01-19.

gnomAD v4.1: 37 of 1,607,410 alleles (0.0023%); highest among the groups gnomAD compares: African/African-American, 0.019%; no homozygotes.

Submissions (2):

Labcorp Genetics (formerly Invitae), Labcorp
Classification: Likely benign. Last evaluated: 2026-01-19. Review status: criteria provided, single submitter. Criteria: Invitae Variant Classification Sherloc (09022015). Collection method: clinical testing. Allele origin: germline.

Mayo Clinic Laboratories, Mayo Clinic
Classification: Likely benign. Last evaluated: 2025-07-06. Review status: criteria provided, single submitter. Criteria: ACMG Guidelines, 2015. Collection method: clinical testing. Allele origin: germline. Observed: 2 variant alleles.
Comment: BP4, BP7